The following is an entry in ClinVar:

NM_007294.4(BRCA1):c.4668dup (p.Asp1557fs)

Gene: BRCA1 (BRCA1 DNA repair associated; minus strand). Cytogenetic location: 17q21.31.
Variant type: Duplication.
Coding change: c.4668dup on transcript NM_007294.4 (MANE Select); coding-DNA position 4668, one base duplicated (A; older notation c.4668dupA).
Protein change: p.Asp1557fs; shifts the reading frame from aspartic acid 1557.
Molecular consequence: frameshift variant. On other transcripts: non-coding transcript variant (1).
Genome position (GRCh38, 1-based): chr17:43,074,338, T duplicated on the plus strand (A on the coding strand, the reverse complement: BRCA1 is on the minus strand); the first of 2 consecutive T bases (chr17:43,074,338-43,074,339); duplicating either gives the same sequence. VCF-style (leftmost placement, unchanged base first): chr17-43074337-C-CT. GRCh37 (hg19) VCF-style: chr17-41226354-C-CT.
Other names: 4787insA - ter1573; c.4668dup, p.Asp1557fs (NM_007294.3); c.4460dup, p.Asp1488Argfs (NM_001407875.1, NM_001407874.1); c.4457dup, p.Asp1487Argfs (NM_001407879.1, NM_001407881.1, NM_001407882.1 and 5 more transcripts); c.4454dup, p.Asp1486Argfs (NM_001407894.1, NM_001407895.1, NM_001407896.1 and 12 more transcripts); c.4451dup, p.Asp1485Argfs (NM_001407915.1, NM_001407916.1, NM_001407917.1 and 1 more transcripts); c.4544dup, p.Asp1516Argfs (NM_001407919.1, NM_001407937.1, NM_001407938.1 and 6 more transcripts); c.4403dup, p.Asp1469Argfs (NM_001407920.1, NM_001407921.1, NM_001407922.1 and 4 more transcripts); and 73 more; short protein forms D453fs, D1557fs, D1578fs, D1510fs.
Identifiers: ClinVar variation 266489 (VCV000266489.6), dbSNP rs886040242, ClinGen allele CA10589650.

ClinVar aggregate classification (germline): Pathogenic. Review status: reviewed by expert panel (3 of 4 stars). 2 submissions from 2 submitters: Pathogenic (1). 1 of the submissions does not count toward it. Last evaluated 2016-10-18.

Conditions:
Breast-ovarian cancer, familial, susceptibility to, 1 (BROVCA1). Also called: BRCA1 Hereditary Breast and Ovarian Cancer; OVARIAN CANCER, SUSCEPTIBILITY TO. Identifiers: Orphanet 145, MedGen C2676676, MONDO:0011450, OMIM 604370. Disease mechanism: loss of function.

Submissions (2):

Evidence-based Network for the Interpretation of Germline Mutant Alleles (ENIGMA)
Classification: Pathogenic for Breast-ovarian cancer, familial, susceptibility to, 1. Last evaluated: 2016-10-18. Review status: reviewed by expert panel. Criteria: ENIGMA BRCA1/2 Classification Criteria (2015). Collection method: curation. Allele origin: germline.
Comment: Variant allele predicted to encode a truncated non-functional protein.

Consortium of Investigators of Modifiers of BRCA1/2 (CIMBA), c/o University of Cambridge
Classification: Pathogenic for Breast-ovarian cancer, familial, susceptibility to, 1. Last evaluated: 2015-10-02. Review status: criteria provided, single submitter. Criteria: CIMBA Mutation Classification guidelines May 2016. Collection method: clinical testing. Allele origin: germline. Not counted in ClinVar's aggregate classification.